The following is an entry in ClinVar:

NM_001401501.2(MUC16):c.5300G>A (p.Gly1767Glu)

Gene: MUC16 (mucin 16, cell surface associated; minus strand). Cytogenetic location: 19p13.2.
Variant type: single nucleotide variant.
Coding change: c.5300G>A on transcript NM_001401501.2 (MANE Select); coding-DNA position 5300, G replaced by A.
Protein change: p.Gly1767Glu; replaces glycine 1767 with glutamic acid.
Molecular consequence: missense variant.
Genome position (GRCh38, 1-based): chr19:8,975,959, C>T on the plus strand (G>A on the coding strand, the complement: MUC16 is on the minus strand). VCF-style: chr19-8975959-C-T. GRCh37 (hg19) VCF-style: chr19-9086635-C-T.
Other names: c.5726G>A, p.Gly1909Glu (NM_001414686.1); c.5180G>A, p.Gly1727Glu (NM_001414687.1, NM_024690.2); short protein forms G1727E, G1767E, G1909E.
Identifiers: ClinVar variation 2649268 (VCV002649268.25), dbSNP rs45468007, ClinGen allele CA9172686.

ClinVar aggregate classification (germline): Likely benign. Review status: criteria provided, single submitter (1 of 4 stars). 2 submissions from 2 submitters: Likely benign (1). 1 of the submissions does not count toward it. Last evaluated 2022-08-01.

Conditions:
MUC16-related disorder. Also called: MUC16-related condition.

Allele frequency attached by ClinVar (database versions not stated): 1000 Genomes Project 0.00080; 1000 Genomes Project 30x 0.00094; ESP Exome Variant Server 0.00202.

Submissions (2):

CeGaT Center for Human Genetics Tuebingen
Classification: Likely benign. Last evaluated: 2022-08-01. Review status: criteria provided, single submitter. Criteria: CeGaT Center For Human Genetics Tuebingen Variant Classification Criteria Version 2. Collection method: clinical testing. Allele origin: germline. Affected: yes. Observed: 1 variant allele.
Comment: MUC16: BP4, BS2

PreventionGenetics, part of Exact Sciences
Classification: Likely benign for MUC16-related condition. Last evaluated: 2019-02-26. Review status: no assertion criteria provided. Collection method: clinical testing. Allele origin: germline. Not counted in ClinVar's aggregate classification.
Comment: This variant is classified as likely benign based on ACMG/AMP sequence variant interpretation guidelines (Richards et al. 2015 PMID: 25741868, with internal and published modifications).